The following is an entry in ClinVar:

NC_000008.11:g.(?_142875702)_(142912895_?)del

Genes: CYP11B2 (cytochrome P450 family 11 subfamily B member 2; minus strand), CYP11B1 (cytochrome P450 family 11 subfamily B member 1; minus strand), LOC110673972 (CYP11B1 promoter; plus strand), LOC106799833 (CYP11B1 recombination region; plus strand), LOC106799834 (CYP11B2 recombination region; plus strand). Cytogenetic location: 8q24.3.
Variant type: Deletion.
Identifiers: ClinVar variation 647962 (VCV000647962.2).

ClinVar aggregate classification (germline): Pathogenic (1 of 4 stars; one submission).

Submission:

Labcorp Genetics (formerly Invitae), Labcorp
Classification: Pathogenic. Last evaluated: 2019-09-16. Review status: criteria provided, single submitter. Criteria: Invitae Variant Classification Sherloc (09022015). Collection method: clinical testing. Allele origin: germline.
Comment: This variant is a gross deletion of the genomic region encompassing exons 1-6 of the CYP11B1 gene, which includes the initiator codon. If CYP11B2 has been tested and no copy number events are reported for it, then the 5' boundary of this event lies between the CYP11B1 and CYP11B2 genes. If CYP11B2 has not been tested, the 5' end of this event is unknown as it extends beyond the assayed region of this test. The 3' boundary is likely confined to intron 6 of the CYP11B1 gene. This is expected to result in an absent or disrupted protein product. Similar variants that lead to a chimeric CYP11B2/CYP11B1 gene fusion that disrupts exons 1-6 of CYP11B1 and exons 7-9 of CYP11B2 have been reported as homozygous or in combination with a second CYP11B1 variant in several individuals affected with autosomal recessive 11-beta-hydroxylase deficiency (PMID: 26066897). Loss-of-function variants in CYP11B1 are known to be pathogenic (PMID: 8506298, 26476331). For these reasons, this variant has been classified as Pathogenic.

Literature cited by the submitters: PubMed 26066897.